The following is an entry in ClinVar:

NM_017852.5(NLRP2):c.549G>A (p.Gln183=)

Gene: NLRP2 (NLR family pyrin domain containing 2; plus strand). Cytogenetic location: 19q13.42.
Variant type: single nucleotide variant.
Coding change: c.549G>A on transcript NM_017852.5 (MANE Select); coding-DNA position 549, G replaced by A.
Protein change: p.Gln183=; no amino-acid change (glutamine 183 retained).
Molecular consequence: synonymous variant. On other transcripts: non-coding transcript variant (1).
Genome position (GRCh38, 1-based): chr19:54,982,247, G>A. VCF-style: chr19-54982247-G-A. GRCh37 (hg19) VCF-style: chr19-55493615-G-A.
Other names: c.549G>A, p.Gln183= (NM_001174081.3); c.483G>A, p.Gln161= (NM_001174082.3); c.480G>A, p.Gln160= (NM_001174083.2); c.540G>A, p.Gln180= (NM_001348003.2).
Identifiers: ClinVar variation 3039605 (VCV003039605.2), dbSNP rs139692468, ClinGen allele CA310102555.

ClinVar aggregate classification (germline): Likely benign (0 of 4 stars; one submission).

Conditions:
NLRP2-related disorder. Also called: NLRP2-related condition.

Allele frequency attached by ClinVar (database versions not stated): gnomAD exomes 0.00005; ExAC 0.00020; 1000 Genomes Project 0.00040; TOPMed 0.00048; gnomAD 0.00051; 1000 Genomes Project 30x 0.00078; ESP Exome Variant Server 0.00100.
gnomAD v4.1: 156 of 1,614,136 alleles (0.0097%); highest among the groups gnomAD compares: African/African-American, 0.18%; 1 homozygote.

Submission:

PreventionGenetics, part of Exact Sciences
Classification: Likely benign for NLRP2-related condition. Last evaluated: 2019-05-23. Review status: no assertion criteria provided. Collection method: clinical testing. Allele origin: germline.
Comment: This variant is classified as likely benign based on ACMG/AMP sequence variant interpretation guidelines (Richards et al. 2015 PMID: 25741868, with internal and published modifications).